The following is an entry in ClinVar:

NM_006767.4(LZTR1):c.629G>T (p.Arg210Leu)

Gene: LZTR1 (leucine zipper like post translational regulator 1; plus strand). Cytogenetic location: 22q11.21.
Variant type: single nucleotide variant.
Coding change: c.629G>T on transcript NM_006767.4 (MANE Select); coding-DNA position 629, G replaced by T.
Protein change: p.Arg210Leu; replaces arginine 210 with leucine.
Molecular consequence: missense variant.
Genome position (GRCh38, 1-based): chr22:20,989,660, G>T. VCF-style: chr22-20989660-G-T. GRCh37 (hg19) VCF-style: chr22-21343949-G-T.
Other names: short protein forms R210L.
Identifiers: ClinVar variation 3541523 (VCV003541523.3).

ClinVar aggregate classification (germline): Uncertain significance. Review status: criteria provided, multiple submitters, no conflicts (2 of 4 stars). 2 submissions from 2 submitters: Uncertain significance (2). Last evaluated 2024-08-11.

Conditions:
Hereditary cancer-predisposing syndrome. Also called: Hereditary Cancer Syndrome; Hereditary neoplastic syndrome; Tumor predisposition; Neoplastic Syndromes, Hereditary. Identifiers: Orphanet 140162, MedGen C0027672, MeSH D009386, MONDO:0015356.
Cardiovascular phenotype. Identifiers: MedGen CN230736.

Submissions (2):

Ambry Genetics
Classification: Uncertain significance for Cardiovascular phenotype; Hereditary cancer-predisposing syndrome. Last evaluated: 2024-08-11. Review status: criteria provided, single submitter. Criteria: Ambry Variant Classification Scheme 2023. Collection method: clinical testing. Allele origin: germline.
Comment: The p.R210L variant (also known as c.629G>T), located in coding exon 7 of the LZTR1 gene, results from a G to T substitution at nucleotide position 629. The arginine at codon 210 is replaced by leucine, an amino acid with dissimilar properties. This amino acid position is conserved. In addition, the in silico prediction for this alteration is inconclusive. Based on the available evidence, the clinical significance of this variant remains unclear.

Labcorp Genetics (formerly Invitae), Labcorp
Classification: Uncertain significance. Last evaluated: 2024-06-15. Review status: criteria provided, single submitter. Criteria: Invitae Variant Classification Sherloc (09022015). Collection method: clinical testing. Allele origin: germline.
Comment: This sequence change replaces arginine, which is basic and polar, with leucine, which is neutral and non-polar, at codon 210 of the LZTR1 protein (p.Arg210Leu). This variant is not present in population databases (gnomAD no frequency). This variant has not been reported in the literature in individuals affected with LZTR1-related conditions. Advanced modeling of protein sequence and biophysical properties (such as structural, functional, and spatial information, amino acid conservation, physicochemical variation, residue mobility, and thermodynamic stability) performed at Invitae indicates that this missense variant is not expected to disrupt LZTR1 protein function with a negative predictive value of 80%. Algorithms developed to predict the effect of sequence changes on RNA splicing suggest that this variant may disrupt the consensus splice site. In summary, the available evidence is currently insufficient to determine the role of this variant in disease. Therefore, it has been classified as a Variant of Uncertain Significance.